The following is an entry in ClinVar:

NM_012186.3(FOXE3):c.395T>G (p.Val132Gly)

Genes: FOXE3 (forkhead box E3; plus strand), LINC01389 (long intergenic non-protein coding RNA 1389; minus strand). Cytogenetic location: 1p33.
Variant type: single nucleotide variant.
Coding change: c.395T>G on transcript NM_012186.3 (MANE Select); coding-DNA position 395, T replaced by G.
Protein change: p.Val132Gly; replaces valine 132 with glycine.
Molecular consequence: missense variant.
Genome position (GRCh38, 1-based): chr1:47,416,710, T>G. VCF-style: chr1-47416710-T-G. GRCh37 (hg19) VCF-style: chr1-47882382-T-G.
Other names: short protein forms V132G.
Identifiers: ClinVar variation 1736517 (VCV001736517.2), dbSNP rs2521317913, ClinGen allele CA340249856.

ClinVar aggregate classification (germline): Uncertain significance (1 of 4 stars; one submission).

Conditions:
Cardiovascular phenotype. Identifiers: MedGen CN230736.

Allele frequency attached by ClinVar (database versions not stated): gnomAD exomes below 0.00001.

Submission:

Ambry Genetics
Classification: Uncertain significance for Cardiovascular phenotype. Last evaluated: 2022-08-08. Review status: criteria provided, single submitter. Criteria: Ambry Variant Classification Scheme 2023. Collection method: clinical testing. Allele origin: germline.
Comment: The p.V132G variant (also known as c.395T>G), located in coding exon 1 of the FOXE3 gene, results from a T to G substitution at nucleotide position 395. The valine at codon 132 is replaced by glycine, an amino acid with dissimilar properties. This amino acid position is conserved. In addition, this alteration is predicted to be deleterious by in silico analysis. Since supporting evidence is limited at this time, the clinical significance of this alteration remains unclear.